The following is an entry in ClinVar:

ClinVar aggregate classification (germline): Uncertain significance (1 of 4 stars; one submission).

Conditions:
Treacher Collins syndrome 1 (TCS1). Also called: TCOF1-Related Treacher Collins Syndrome. Identifiers: Orphanet 861, MedGen CN315775, MONDO:0007944, OMIM 154500.

Submission:

Laboratorio de Genetica e Diagnostico Molecular, Hospital Israelita Albert Einstein
Classification: Uncertain significance for Treacher Collins syndrome 1. Last evaluated: 2024-04-25. Review status: criteria provided, single submitter. Criteria: ACMG Guidelines, 2015. Collection method: clinical testing. Allele origin: germline. Affected: yes.
Comment: ACMG classification criteria: PM2 supporting, BP4 supporting

NM_001371623.1(TCOF1):c.2507A>G (p.Asn836Ser)

Gene: TCOF1 (treacle ribosome biogenesis factor 1; plus strand). Cytogenetic location: 5q32.
Variant type: single nucleotide variant.
Coding change: c.2507A>G on transcript NM_001371623.1 (MANE Select); coding-DNA position 2507, A replaced by G.
Protein change: p.Asn836Ser; replaces asparagine 836 with serine.
Molecular consequence: missense variant.
Genome position (GRCh38, 1-based): chr5:150,379,257, A>G. VCF-style: chr5-150379257-A-G. GRCh37 (hg19) VCF-style: chr5-149758820-A-G.
Other names: c.2276A>G, p.Asn759Ser (NM_000356.4, NM_001135245.2, NM_001437406.1); c.2507A>G, p.Asn836Ser (NM_001008657.3, NM_001135243.2, NM_001135244.2 and 1 more transcripts); short protein forms N759S, N836S.
Identifiers: ClinVar variation 4076248 (VCV004076248.1).